The following is an entry in ClinVar:

ClinVar aggregate classification (germline): Benign. Review status: criteria provided, multiple submitters, no conflicts (2 of 4 stars). 4 submissions from 4 submitters: Benign (3). 1 of the submissions does not count toward it. Last evaluated 2026-03-01.

Conditions:
DSG1-related disorder. Also called: DSG1-related condition.

Allele frequency attached by ClinVar (database versions not stated): gnomAD exomes 0.00203; ExAC 0.00254; gnomAD 0.00815 and 0.00857; ESP Exome Variant Server 0.00907; TOPMed 0.00928; 1000 Genomes Project 0.01018; 1000 Genomes Project 30x 0.01062.
gnomAD v4.1: 2,473 of 1,613,970 alleles (0.15%); highest among the groups gnomAD compares: African/African-American, 2.9%; 29 homozygotes.

Submissions (4):

CeGaT Center for Human Genetics Tuebingen
Classification: Benign. Last evaluated: 2026-03-01. Review status: criteria provided, single submitter. Criteria: CeGaT Center For Human Genetics Tuebingen Variant Classification Criteria Version 2. Collection method: clinical testing. Allele origin: germline. Affected: yes. Observed: 3 variant alleles.
Comment: DSG1: BP4, BS1, BS2

Labcorp Genetics (formerly Invitae), Labcorp
Classification: Benign. Last evaluated: 2026-02-02. Review status: criteria provided, single submitter. Criteria: Invitae Variant Classification Sherloc (09022015). Collection method: clinical testing. Allele origin: germline.

Breakthrough Genomics
Classification: Benign. Review status: criteria provided, single submitter. Criteria: ACMG Guidelines, 2015. Collection method: not provided. Allele origin: germline. Inheritance: Autosomal recessive inheritance. Affected: yes.

PreventionGenetics, part of Exact Sciences
Classification: Benign for DSG1-related condition. Last evaluated: 2023-12-26. Review status: no assertion criteria provided. Collection method: clinical testing. Allele origin: germline. Not counted in ClinVar's aggregate classification.
Comment: This variant is classified as benign based on ACMG/AMP sequence variant interpretation guidelines (Richards et al. 2015 PMID: 25741868, with internal and published modifications).

NM_001942.4(DSG1):c.1184C>G (p.Thr395Ser)

Gene: DSG1 (desmoglein 1; plus strand). Cytogenetic location: 18q12.1.
Variant type: single nucleotide variant.
Coding change: c.1184C>G on transcript NM_001942.4 (MANE Select); coding-DNA position 1184, C replaced by G.
Protein change: p.Thr395Ser; replaces threonine 395 with serine.
Molecular consequence: missense variant.
Genome position (GRCh38, 1-based): chr18:31,336,532, C>G. VCF-style: chr18-31336532-C-G. GRCh37 (hg19) VCF-style: chr18-28916495-C-G.
Other names: short protein forms T395S.
Identifiers: ClinVar variation 788913 (VCV000788913.36), dbSNP rs16961655, ClinGen allele CA8926031.